The following is an entry in ClinVar:

ClinVar aggregate classification (germline): Benign (0 of 4 stars; one submission).

Conditions:
TRPM3-related disorder. Also called: TRPM3-related condition.

Allele frequency attached by ClinVar (database versions not stated): gnomAD exomes 0.00200; ExAC 0.00575; gnomAD 0.01950; 1000 Genomes Project 0.01957; 1000 Genomes Project 30x 0.02046; TOPMed 0.02153; ESP Exome Variant Server 0.02599.
gnomAD v4.1: 6,047 of 1,614,162 alleles (0.37%); highest among the groups gnomAD compares: African/African-American, 6.5%; 154 homozygotes.

Submission:

PreventionGenetics, part of Exact Sciences
Classification: Benign for TRPM3-related condition. Last evaluated: 2019-02-19. Review status: no assertion criteria provided. Collection method: clinical testing. Allele origin: germline.
Comment: This variant is classified as benign based on ACMG/AMP sequence variant interpretation guidelines (Richards et al. 2015 PMID: 25741868, with internal and published modifications).

NM_001366145.2(TRPM3):c.4889A>T (p.Asn1630Ile)

Genes: KLF9-DT (KLF9 divergent transcript; plus strand), TRPM3 (transient receptor potential cation channel subfamily M member 3; minus strand). Cytogenetic location: 9q21.12.
Variant type: single nucleotide variant.
Coding change: c.4889A>T on transcript NM_001366145.2 (MANE Select); coding-DNA position 4889, A replaced by T.
Protein change: p.Asn1630Ile; replaces asparagine 1630 with isoleucine.
Molecular consequence: missense variant. On other transcripts: intron variant (8).
Genome position (GRCh38, 1-based): chr9:70,536,224, T>A on the plus strand (A>T on the coding strand, the complement: TRPM3 is on the minus strand). VCF-style: chr9-70536224-T-A. GRCh37 (hg19) VCF-style: chr9-73151140-T-A.
Other names: c.4853A>T, p.Asn1618Ile (NM_001007471.4); c.4859A>T, p.Asn1620Ile (NM_001366141.2, NM_001366149.2); c.4964A>T, p.Asn1655Ile (NM_001366147.2); c.4394A>T, p.Asn1465Ile (NM_020952.6); c.4430A>T, p.Asn1477Ile (NM_024971.7); c.4364A>T, p.Asn1455Ile (NM_206944.5); c.4400A>T, p.Asn1467Ile (NM_206945.5); c.4469A>T, p.Asn1490Ile (NM_206946.5); and 9 more; short protein forms N1455I, N1465I, N1467I, N1477I, N1480I, N1490I, N1618I, N1620I.
Identifiers: ClinVar variation 3042146 (VCV003042146.2), dbSNP rs77177051, ClinGen allele CA5077727.
Genomic context (GRCh38, chr9:70,536,224, plus strand): 5'-TAGCTGTTGGCGCGCTCTATCTTGGGAACAGTGATGTTGTTGGACAGGGTTCTCTCTGAG[T>A]TATCACCCTCCTGGGAGGATATTGCAATGGTGGCTCTGCGGCCTTTGGCCTCATTCTCCT-3'
Protein context (NP_001353074.1, residues 1620-1640): TIAISSQEGD[Asn1630Ile]SERTLSNNIT